The following is an entry in ClinVar:

ClinVar aggregate classification (germline): Uncertain significance (1 of 4 stars; one submission).

Allele frequency attached by ClinVar (database versions not stated): gnomAD exomes below 0.00001 and 0.00001.
gnomAD v4.1: 1 of 1,614,096 alleles (0.000062%); highest among the groups gnomAD compares: Non-Finnish European, 0.000085%; no homozygotes.

Submission:

Labcorp Genetics (formerly Invitae), Labcorp
Classification: Uncertain significance. Last evaluated: 2022-07-06. Review status: criteria provided, single submitter. Criteria: Invitae Variant Classification Sherloc (09022015). Collection method: clinical testing. Allele origin: germline.
Comment: In summary, the available evidence is currently insufficient to determine the role of this variant in disease. Therefore, it has been classified as a Variant of Uncertain Significance. Advanced modeling of protein sequence and biophysical properties (such as structural, functional, and spatial information, amino acid conservation, physicochemical variation, residue mobility, and thermodynamic stability) performed at Invitae indicates that this missense variant is expected to disrupt EIF2B5 protein function. ClinVar contains an entry for this variant (Variation ID: 1364785). This variant has not been reported in the literature in individuals affected with EIF2B5-related conditions. This variant is present in population databases (no rsID available, gnomAD 0.002%). This sequence change replaces proline, which is neutral and non-polar, with leucine, which is neutral and non-polar, at codon 453 of the EIF2B5 protein (p.Pro453Leu).

NM_003907.3(EIF2B5):c.1358C>T (p.Pro453Leu)

Gene: EIF2B5 (eukaryotic translation initiation factor 2B subunit epsilon; plus strand). Cytogenetic location: 3q27.1.
Variant type: single nucleotide variant.
Coding change: c.1358C>T on transcript NM_003907.3 (MANE Select); coding-DNA position 1358, C replaced by T.
Protein change: p.Pro453Leu; replaces proline 453 with leucine.
Molecular consequence: missense variant.
Genome position (GRCh38, 1-based): chr3:184,142,292, C>T. VCF-style: chr3-184142292-C-T. GRCh37 (hg19) VCF-style: chr3-183860080-C-T.
Other names: short protein forms P453L.
Identifiers: ClinVar variation 1364785 (VCV001364785.8), dbSNP rs1375131270, ClinGen allele CA355389627.